The following is an entry in ClinVar:

NM_020693.4(DSCAML1):c.4955G>A (p.Gly1652Asp)

Gene: DSCAML1 (DS cell adhesion molecule like 1; minus strand). Cytogenetic location: 11q23.3.
Variant type: single nucleotide variant.
Coding change: c.4955G>A on transcript NM_020693.4 (MANE Select); coding-DNA position 4955, G replaced by A.
Protein change: p.Gly1652Asp; replaces glycine 1652 with aspartic acid.
Molecular consequence: missense variant.
Genome position (GRCh38, 1-based): chr11:117,433,209, C>T on the plus strand (G>A on the coding strand, the complement: DSCAML1 is on the minus strand). VCF-style: chr11-117433209-C-T. GRCh37 (hg19) VCF-style: chr11-117303925-C-T.
Other names: short protein forms G1652D.
Identifiers: ClinVar variation 2112016 (VCV002112016.4), dbSNP rs2542976400, ClinGen allele CA382756289.
Genomic context (GRCh38, chr11:117,433,209, plus strand): 5'-ATGCCTTCTTTGTCCTCGATGAGCAGCTGGACCCTGGGGATGTCAATGTGTAGCCGTGGG[C>T]CCTGGGGTGGCCCTTTCACAGGGGTGTCAAAGCTTCTATTGTTCTTGCTGTGGGGAGAAA-3'
Protein context (NP_065744.3, residues 1642-1662): FDTPVKGPPQ[Gly1652Asp]PRLHIDIPRV

ClinVar aggregate classification (germline): Uncertain significance (1 of 4 stars; one submission).

Submission:

Labcorp Genetics (formerly Invitae), Labcorp
Classification: Uncertain significance. Last evaluated: 2022-03-14. Review status: criteria provided, single submitter. Criteria: Invitae Variant Classification Sherloc (09022015). Collection method: clinical testing. Allele origin: germline.
Comment: This sequence change replaces glycine, which is neutral and non-polar, with aspartic acid, which is acidic and polar, at codon 1712 of the DSCAML1 protein (p.Gly1712Asp). This variant is not present in population databases (gnomAD no frequency). This variant has not been reported in the literature in individuals affected with DSCAML1-related conditions. Algorithms developed to predict the effect of missense changes on protein structure and function are either unavailable or do not agree on the potential impact of this missense change (SIFT: "Deleterious"; PolyPhen-2: "Possibly Damaging"; Align-GVGD: "Class C0"). In summary, the available evidence is currently insufficient to determine the role of this variant in disease. Therefore, it has been classified as a Variant of Uncertain Significance.